The following is an entry in ClinVar:

NM_001267550.2(TTN):c.92513T>A (p.Val30838Glu)

Genes: TTN (titin; minus strand), TTN-AS1 (TTN antisense RNA 1; plus strand). Cytogenetic location: 2q31.2.
Variant type: single nucleotide variant.
Coding change: c.92513T>A on transcript NM_001267550.2 (MANE Select); coding-DNA position 92513, T replaced by A.
Protein change: p.Val30838Glu; replaces valine 30838 with glutamic acid.
Molecular consequence: missense variant.
Genome position (GRCh38, 1-based): chr2:178,549,113, A>T on the plus strand (T>A on the coding strand, the complement: TTN is on the minus strand). VCF-style: chr2-178549113-A-T. GRCh37 (hg19) VCF-style: chr2-179413840-A-T.
Other names: c.84809T>A, p.Val28270Glu (NM_133378.4); c.87590T>A, p.Val29197Glu (NM_001256850.1); c.65318T>A, p.Val21773Glu (NM_003319.4); c.65693T>A, p.Val21898Glu (NM_133432.3); c.65894T>A, p.Val21965Glu (NM_133437.4); short protein forms V28270E, V30838E, V21773E, V21965E, V29197E, V21898E.
Identifiers: ClinVar variation 180095 (VCV000180095.5), dbSNP rs727505344, ClinGen allele CA185798.

ClinVar aggregate classification (germline): Uncertain significance (1 of 4 stars; one submission).

Submission:

Laboratory for Molecular Medicine, Mass General Brigham Personalized Medicine
Classification: Uncertain significance. Last evaluated: 2014-11-20. Review status: criteria provided, single submitter. Criteria: LMM Criteria. Collection method: clinical testing. Allele origin: germline. Observed: 1 variant allele.
Comment: The p.Val28270Glu variant in TTN has not been previously reported in individuals with cardiomyopathy or in large population studies including the Exome Aggregat ion Consortium database (ExAC). Computational p rediction tools and conservation analysis do not provide strong support for or a gainst an impact to the protein. In summary, the clinical significance of the p. Val28270Glu variant is uncertain.